The following is an entry in ClinVar:

ClinVar aggregate classification (germline): Uncertain significance. Review status: criteria provided, multiple submitters, no conflicts (2 of 4 stars). 2 submissions from 2 submitters: Uncertain significance (2). Last evaluated 2022-09-16.

Conditions:
Inborn genetic diseases. Identifiers: MedGen C0950123, MeSH D030342.

Allele frequency attached by ClinVar (database versions not stated): gnomAD 0.00001; gnomAD exomes 0.00001; TOPMed 0.00001.
gnomAD v4.1: 12 of 1,471,652 alleles (0.00082%); highest among the groups gnomAD compares: Non-Finnish European, 0.0011%; no homozygotes.

Submissions (2):

Ambry Genetics
Classification: Uncertain significance for Inborn genetic diseases. Last evaluated: 2022-09-16. Review status: criteria provided, single submitter. Criteria: Ambry Variant Classification Scheme 2023. Collection method: clinical testing. Allele origin: germline.
Comment: The c.1048C>T (p.R350C) alteration is located in exon 4 (coding exon 4) of the BCL11B gene. This alteration results from a C to T substitution at nucleotide position 1048, causing the arginine (R) at amino acid position 350 to be replaced by a cysteine (C). The BCL11B c.1048C>T alteration was flagged as a low confidence call in the Genome Aggregation Database (gnomAD). This variant has been reported to be de novo in one individual with congenital diaphragmatic hernia (CDH), abnormal optic nerve, increased intraocular pressure, and scoliosis (Longoni, 2017). This amino acid position is highly conserved in available vertebrate species. This missense alteration is located in a region that has a low rate of benign missense variation (Lek, 2016; Firth, 2009). This alteration is predicted to be tolerated by in silico analysis. Based on insufficient or conflicting evidence, the clinical significance of this alteration remains unclear.

CeGaT Center for Human Genetics Tuebingen
Classification: Uncertain significance. Last evaluated: 2022-05-01. Review status: criteria provided, single submitter. Criteria: CeGaT Center For Human Genetics Tuebingen Variant Classification Criteria Version 2. Collection method: clinical testing. Allele origin: germline. Affected: yes. Observed: 1 variant allele.
Comment: BCL11B: PP2

Literature cited by the submitters: PubMed 19344873 (cited by Ambry Genetics); PubMed 27535533 (cited by Ambry Genetics); PubMed 28303347 (cited by Ambry Genetics).

NM_138576.4(BCL11B):c.1048C>T (p.Arg350Cys)

Gene: BCL11B (BCL11 transcription factor B; minus strand). Cytogenetic location: 14q32.2.
Variant type: single nucleotide variant.
Coding change: c.1048C>T on transcript NM_138576.4 (MANE Select); coding-DNA position 1048, C replaced by T.
Protein change: p.Arg350Cys; replaces arginine 350 with cysteine.
Molecular consequence: missense variant.
Genome position (GRCh38, 1-based): chr14:99,175,788, G>A on the plus strand (C>T on the coding strand, the complement: BCL11B is on the minus strand). VCF-style: chr14-99175788-G-A. GRCh37 (hg19) VCF-style: chr14-99642125-G-A.
Other names: c.1045C>T, p.Arg349Cys (NM_001282237.2); c.832C>T, p.Arg278Cys (NM_001282238.2); c.835C>T, p.Arg279Cys (NM_022898.3); short protein forms R279C, R350C, R278C, R349C.
Identifiers: ClinVar variation 2227637 (VCV002227637.26), dbSNP rs1283850331, ClinGen allele CA390936219.